The following is an entry in ClinVar:

ClinVar aggregate classification (germline): Benign/Likely benign. Review status: criteria provided, multiple submitters, no conflicts (2 of 4 stars). 5 submissions from 3 submitters: Benign (2); Likely benign (2). 1 of the submissions does not count toward it. Last evaluated 2026-02-04.

Conditions:
Familial hypercholesterolemia. Also called: Familial hypercholesterolemias; Familial hypercholesterolaemia. Identifiers: MedGen C0020445, MONDO:0005439.
Hypercholesterolemia, autosomal dominant, 3 (FHCL3). Also called: Familial Hypercholesterolemia, Autosomal Dominant, 3; Familial hypercholesterolemia 3; PCSK9-Related Familial Hypercholesterolemia, Autosomal Dominant. Identifiers: MedGen C1863551, MONDO:0011369, OMIM 603776.
Hypercholesterolemia, familial, 1. Also called: LDL RECEPTOR DISORDER; Hyperlipoproteinemia Type IIa; HYPER-LOW-DENSITY-LIPOPROTEINEMIA; HYPERCHOLESTEROLEMIC XANTHOMATOSIS, FAMILIAL; Fredrickson type IIa hyperlipoproteinemia; Hyperlipoproteinemia type 2. Identifiers: Orphanet 391665, MedGen C0745103, MONDO:0007750, OMIM 143890.

Submissions (5):

Labcorp Genetics (formerly Invitae), Labcorp
Classification: Benign for Hypercholesterolemia, autosomal dominant, 3. Last evaluated: 2026-02-04. Review status: criteria provided, single submitter. Criteria: Invitae Variant Classification Sherloc (09022015). Collection method: clinical testing. Allele origin: germline.

Blueprint Genetics
Classification: Likely benign. Last evaluated: 2024-11-26. Review status: criteria provided, single submitter. Criteria: ACMG Guidelines, 2015. Collection method: clinical testing. Allele origin: germline.

Color Diagnostics, LLC DBA Color Health
Classification: Benign for Familial hypercholesterolemia. Last evaluated: 2017-10-12. Review status: criteria provided, single submitter. Criteria: ACMG Guidelines, 2015. Collection method: clinical testing. Allele origin: germline.

Color Diagnostics, LLC DBA Color Health
Classification: Likely benign for Familial hypercholesterolemias. Last evaluated: 2017-08-05. Review status: criteria provided, single submitter. Criteria: ACMG Guidelines, 2015. Collection method: clinical testing. Allele origin: germline.

Color Diagnostics, LLC DBA Color Health
Classification: Likely benign for Familial hypercholesterolemia. Last evaluated: 2017-10-02. Review status: flagged submission. Criteria: ACMG Guidelines, 2015. Collection method: clinical testing. Allele origin: germline. Not counted in ClinVar's aggregate classification.
ClinVar note: Reason: This record appears to be redundant with a more recent record from the same submitter.
ClinVar note: Notes: SCV000690962 appears to be redundant with SCV000690969.

NM_174936.4(PCSK9):c.1503+20GT[20]

Gene: PCSK9 (proprotein convertase subtilisin/kexin type 9; plus strand). Cytogenetic location: 1p32.3.
Variant type: Microsatellite.
Coding change: c.1503+20GT[20] on transcript NM_174936.4 (MANE Select); 20 copies in a row of the 2-base unit GT starting at c.1503+20; the reference has 26 copies in a row; six copies, 12 bases deleted.
Molecular consequence: intron variant.
Genome position (GRCh38, 1-based): chr1:55,058,707-55,058,718, GTGTGTGTGTGT deleted; deleting any 12 consecutive bases within chr1:55,058,667-55,058,718 gives the same sequence; the position shown is the placement nearest the transcript's 3' end. VCF-style (leftmost placement, unchanged base first): chr1-55058666-CGTGTGTGTGTGT-C. GRCh37 (hg19) VCF-style: chr1-55524339-CGTGTGTGTGTGT-C.
Other names: c.1503+60_1503+71delGTGTGTGTGTGT (NM_174936.3).
Identifiers: ClinVar variation 492238 (VCV000492238.13), dbSNP rs35115360, ClinGen allele CA871496.